The following is an entry in ClinVar:

NM_025243.4(SLC19A3):c.622A>G (p.Lys208Glu)

Gene: SLC19A3 (solute carrier family 19 member 3; minus strand). Cytogenetic location: 2q36.3.
Variant type: single nucleotide variant.
Coding change: c.622A>G on transcript NM_025243.4 (MANE Select); coding-DNA position 622, A replaced by G.
Protein change: p.Lys208Glu; replaces lysine 208 with glutamic acid.
Molecular consequence: missense variant.
Genome position (GRCh38, 1-based): chr2:227,699,093, T>C on the plus strand (A>G on the coding strand, the complement: SLC19A3 is on the minus strand). VCF-style: chr2-227699093-T-C. GRCh37 (hg19) VCF-style: chr2-228563809-T-C.
Other names: c.622A>G, p.Lys208Glu (NM_001371411.1, NM_001371412.1); c.610A>G, p.Lys204Glu (NM_001371413.1, NM_001371414.1); short protein forms K204E, K208E.
Identifiers: ClinVar variation 1511547 (VCV001511547.5), dbSNP rs770488061, ClinGen allele CA350876837.
Genomic context (GRCh38, chr2:227,699,093, plus strand): 5'-AGCCTGGTGCTTCACCTTCGTGAGTTTCCTCTAATACTGGATTCACGCTTGATGACTTCT[T>C]TATTTCTCTGCTGGGTTTTGCATGAAAAAACATGCTTTTCTTGGGCATTGGTAGGAAAAG-3'
Protein context (NP_079519.1, residues 198-218): FFHAKPSREI[Lys208Glu]KSSSVNPVLE

ClinVar aggregate classification (germline): Uncertain significance (1 of 4 stars; one submission).

Conditions:
Biotin-responsive basal ganglia disease (BTBGD). Also called: Thiamine metabolism dysfunction syndrome 2 (biotin- or thiamine-responsive encephalopathy type 2); thiamine-responsive encephalopathy; Thiamine Transporter-2 Deficiency; Thiamine metabolism dysfunction syndrome type 2; THIAMINE METABOLISM DYSFUNCTION SYNDROME 2 (BIOTIN- AND THIAMINE-RESPONSIVE TYPE). Identifiers: Orphanet 199348, Orphanet 65284, MedGen C1843807, MONDO:0011841, OMIM 607483.

gnomAD v4.1: 2 of 1,614,228 alleles (0.00012%); highest among the groups gnomAD compares: South Asian, 0.0022%; no homozygotes.

Submission:

Labcorp Genetics (formerly Invitae), Labcorp
Classification: Uncertain significance for Biotin-responsive basal ganglia disease. Last evaluated: 2021-12-03. Review status: criteria provided, single submitter. Criteria: Invitae Variant Classification Sherloc (09022015). Collection method: clinical testing. Allele origin: germline.
Comment: This sequence change replaces lysine, which is basic and polar, with glutamic acid, which is acidic and polar, at codon 208 of the SLC19A3 protein (p.Lys208Glu). This variant is present in population databases (no rsID available, gnomAD 0.003%). This variant has not been reported in the literature in individuals affected with SLC19A3-related conditions. Advanced modeling of protein sequence and biophysical properties (such as structural, functional, and spatial information, amino acid conservation, physicochemical variation, residue mobility, and thermodynamic stability) performed at Invitae indicates that this missense variant is not expected to disrupt SLC19A3 protein function. In summary, the available evidence is currently insufficient to determine the role of this variant in disease. Therefore, it has been classified as a Variant of Uncertain Significance.